The following is an entry in ClinVar:

NM_013275.6(ANKRD11):c.7957G>A (p.Asp2653Asn)

Gene: ANKRD11 (ankyrin repeat domain 11; minus strand). Cytogenetic location: 16q24.3.
Variant type: single nucleotide variant.
Coding change: c.7957G>A on transcript NM_013275.6 (MANE Select); coding-DNA position 7957, G replaced by A.
Protein change: p.Asp2653Asn; replaces aspartic acid 2653 with asparagine.
Molecular consequence: missense variant.
Genome position (GRCh38, 1-based): chr16:89,268,513, C>T on the plus strand (G>A on the coding strand, the complement: ANKRD11 is on the minus strand). VCF-style: chr16-89268513-C-T. GRCh37 (hg19) VCF-style: chr16-89334921-C-T.
Other names: c.7957G>A, p.Asp2653Asn (NM_001256182.2, NM_001256183.2); c.7957G>A (NM_013275.5); short protein forms D2653N.
Identifiers: ClinVar variation 2105521 (VCV002105521.5), dbSNP rs961134176, ClinGen allele CA397144967.
Genomic context (GRCh38, chr16:89,268,513, plus strand): 5'-TGCGTCCTGCGGCCGTCCCGCGGTGTCATGCCGGCAACAATACAAAGTCGTCGTTGACGT[C>T]GACCATGGGCACGTAGAAGGAGGGCACCTCGTTCACGCACAGGGACTTGTGCCCGGCGGG-3'
Protein context (NP_037407.4, residues 2643-2663): EVPSFYVPMV[Asp2653Asn]VNDDFVLLPA

ClinVar aggregate classification (germline): Uncertain significance. Review status: criteria provided, multiple submitters, no conflicts (2 of 4 stars). 2 submissions from 2 submitters: Uncertain significance (2). Last evaluated 2024-07-30.

Conditions:
KBG syndrome (KBGS). Also called: ANKRD11-Related KBG Syndrome. Identifiers: Orphanet 2332, MedGen C0220687, MONDO:0007846, OMIM 148050.

Submissions (2):

GeneDx
Classification: Uncertain significance. Last evaluated: 2024-07-30. Review status: criteria provided, single submitter. Criteria: GeneDx Variant Classification Process June 2021. Collection method: clinical testing. Allele origin: germline. Affected: yes.
Comment: Not observed at significant frequency in large population cohorts (gnomAD); In silico analysis indicates that this missense variant does not alter protein structure/function; Has not been previously published as pathogenic or benign to our knowledge

Labcorp Genetics (formerly Invitae), Labcorp
Classification: Uncertain significance for KBG syndrome. Last evaluated: 2022-04-20. Review status: criteria provided, single submitter. Criteria: Invitae Variant Classification Sherloc (09022015). Collection method: clinical testing. Allele origin: germline.
Comment: In summary, the available evidence is currently insufficient to determine the role of this variant in disease. Therefore, it has been classified as a Variant of Uncertain Significance. Advanced modeling of protein sequence and biophysical properties (such as structural, functional, and spatial information, amino acid conservation, physicochemical variation, residue mobility, and thermodynamic stability) performed at Invitae indicates that this missense variant is not expected to disrupt ANKRD11 protein function. This variant has not been reported in the literature in individuals affected with ANKRD11-related conditions. This variant is not present in population databases (gnomAD no frequency). This sequence change replaces aspartic acid, which is acidic and polar, with asparagine, which is neutral and polar, at codon 2653 of the ANKRD11 protein (p.Asp2653Asn).